The following is an entry in ClinVar:

NM_001852.4(COL9A2):c.1138C>A (p.Pro380Thr)

Gene: COL9A2 (collagen type IX alpha 2 chain; minus strand). Cytogenetic location: 1p34.2.
Variant type: single nucleotide variant.
Coding change: c.1138C>A on transcript NM_001852.4 (MANE Select); coding-DNA position 1138, C replaced by A.
Protein change: p.Pro380Thr; replaces proline 380 with threonine.
Molecular consequence: missense variant.
Genome position (GRCh38, 1-based): chr1:40,304,817, G>T on the plus strand (C>A on the coding strand, the complement: COL9A2 is on the minus strand). VCF-style: chr1-40304817-G-T. GRCh37 (hg19) VCF-style: chr1-40770489-G-T.
Other names: c.1138C>A (NM_001852.3); short protein forms P380T.
Identifiers: ClinVar variation 1549588 (VCV001549588.10), dbSNP rs554648154, ClinGen allele CA791574.

ClinVar aggregate classification (germline): Conflicting classifications of pathogenicity. Review status: criteria provided, conflicting classifications (1 of 4 stars). 3 submissions from 3 submitters: Uncertain significance (2); Likely benign (1). Last evaluated 2025-08-24.

Conditions:
Inborn genetic diseases. Identifiers: MedGen C0950123, MeSH D030342.

Allele frequency attached by ClinVar (database versions not stated): TOPMed 0.00001; gnomAD 0.00003; ExAC 0.00005; gnomAD exomes 0.00006; 1000 Genomes Project 30x 0.00016; 1000 Genomes Project 0.00020.
gnomAD v4.1: 50 of 1,550,886 alleles (0.0032%); highest among the groups gnomAD compares: South Asian, 0.057%; 2 homozygotes.

Submissions (3):

Ambry Genetics
Classification: Uncertain significance for Inborn genetic diseases. Last evaluated: 2025-08-24. Review status: criteria provided, single submitter. Criteria: Ambry Variant Classification Scheme 2023. Collection method: clinical testing. Allele origin: germline.

Labcorp Genetics (formerly Invitae), Labcorp
Classification: Likely benign. Last evaluated: 2025-06-15. Review status: criteria provided, single submitter. Criteria: Invitae Variant Classification Sherloc (09022015). Collection method: clinical testing. Allele origin: germline.

GeneDx
Classification: Uncertain significance. Last evaluated: 2024-02-27. Review status: criteria provided, single submitter. Criteria: GeneDx Variant Classification Process June 2021. Collection method: clinical testing. Allele origin: germline. Affected: yes.
Comment: Has not been previously published as pathogenic or benign to our knowledge; In silico analysis supports that this missense variant has a deleterious effect on protein structure/function